The following is an entry in ClinVar:

NM_025114.4(CEP290):c.881C>G (p.Ser294Ter)

Gene: CEP290 (centrosomal protein 290; minus strand). Cytogenetic location: 12q21.32.
Variant type: single nucleotide variant.
Coding change: c.881C>G on transcript NM_025114.4 (MANE Select); coding-DNA position 881, C replaced by G.
Protein change: p.Ser294Ter; replaces serine 294 with a stop codon.
Molecular consequence: nonsense.
Genome position (GRCh38, 1-based): chr12:88,129,007, G>C on the plus strand (C>G on the coding strand, the complement: CEP290 is on the minus strand). VCF-style: chr12-88129007-G-C. GRCh37 (hg19) VCF-style: chr12-88522784-G-C.
Other names: short protein forms S294*.
Identifiers: ClinVar variation 802879 (VCV000802879.4), dbSNP rs1592668925, ClinGen allele CA385983941.
Genomic context (GRCh38, chr12:88,129,007, plus strand): 5'-TTCCATTCTTCTACTTTTGCATTGACAGCTACCATAATTGGATCATCTTCTTCATTTTTT[G>C]ATTTCAGAAGATCTGTAAGCTCCTGCACCTAAAAGACAAAGTTATTTCAAGAGTTGTTGC-3'

ClinVar aggregate classification (germline): Pathogenic/Likely pathogenic. Review status: criteria provided, multiple submitters, no conflicts (2 of 4 stars). 3 submissions from 3 submitters: Pathogenic (2); Likely pathogenic (1). Last evaluated 2025-10-04.

Conditions:
CEP290-related ciliopathy. Also called: CEP290 ciliopathy. Identifiers: MedGen CN305601, MONDO:0100451.
Joubert syndrome 1 (JBTS1). Also called: Cerebellooculorenal syndrome 1; CEREBELLOPARENCHYMAL DISORDER IV. Identifiers: MedGen C4551568, MONDO:0008944, OMIM 213300.

Submissions (3):

Myriad Genetics, Inc.
Classification: Pathogenic for CEP290-related ciliopathy. Last evaluated: 2025-10-04. Review status: criteria provided, single submitter. Criteria: Myriad Autosomal Dominant, Autosomal Recessive and X-Linked Classification Criteria (2023). Collection method: clinical testing. Allele origin: unknown.
Comment: NM_025114.3(CEP290):c.881C>G(S294*) is expected to be pathogenic in the context of CEP290-related disorders. This variant is predicted to lead to an abnormal or absent protein product due to the creation of a premature termination codon in CEP290, a gene where loss-of-function variants are known to be pathogenic. Please note: this variant was assessed in the context of healthy population screening.

Dasa
Classification: Likely pathogenic. Last evaluated: 2025-02-08. Review status: criteria provided, single submitter. Criteria: DASA Assertion Criteria. Collection method: clinical testing. Allele origin: germline.
Comment: NM_025114.4(CEP290):c.881C>G (p.Ser294*) is a nonsense variant in CEP290 predicted to introduce a premature termination codon and is predicted to result in an absent or altered protein product. Loss of function is an established disease mechanism for CEP290-associated disorders. Also, this variant is absent from population databases. Based on the currently available evidence, this variant is classified as likely pathogenic.

Mendelics
Classification: Pathogenic for Joubert syndrome 1. Last evaluated: 2019-05-28. Review status: criteria provided, single submitter. Criteria: Mendelics Assertion Criteria 2017. Collection method: clinical testing. Allele origin: unknown.